The following is an entry in ClinVar:

ClinVar aggregate classification (germline): Uncertain significance (1 of 4 stars; one submission).

Conditions:
Polyhydramnios, megalencephaly, and symptomatic epilepsy (PMSE). Also called: PMSE SYNDROME. Identifiers: Orphanet 500533, MedGen C1970203, MONDO:0012611, OMIM 611087.

Allele frequency attached by ClinVar (database versions not stated): gnomAD exomes below 0.00001.

Submission:

Labcorp Genetics (formerly Invitae), Labcorp
Classification: Uncertain significance for Polyhydramnios, megalencephaly, and symptomatic epilepsy. Last evaluated: 2022-06-03. Review status: criteria provided, single submitter. Criteria: Invitae Variant Classification Sherloc (09022015). Collection method: clinical testing. Allele origin: germline.
Comment: In summary, the available evidence is currently insufficient to determine the role of this variant in disease. Therefore, it has been classified as a Variant of Uncertain Significance. Algorithms developed to predict the effect of missense changes on protein structure and function are either unavailable or do not agree on the potential impact of this missense change (SIFT: "Tolerated"; PolyPhen-2: "Probably Damaging"; Align-GVGD: "Class C0"). ClinVar contains an entry for this variant (Variation ID: 946592). This variant has not been reported in the literature in individuals affected with STRADA-related conditions. This variant is not present in population databases (gnomAD no frequency). This sequence change replaces proline, which is neutral and non-polar, with serine, which is neutral and polar, at codon 399 of the STRADA protein (p.Pro399Ser).

NM_001003787.4(STRADA):c.1195C>T (p.Pro399Ser)

Gene: STRADA (STE20 related adaptor alpha; minus strand). Cytogenetic location: 17q23.3.
Variant type: single nucleotide variant.
Coding change: c.1195C>T on transcript NM_001003787.4 (MANE Select); coding-DNA position 1195, C replaced by T.
Protein change: p.Pro399Ser; replaces proline 399 with serine.
Molecular consequence: missense variant. On other transcripts: 3 prime UTR variant (6), non-coding transcript variant (1).
Genome position (GRCh38, 1-based): chr17:63,703,700, G>A on the plus strand (C>T on the coding strand, the complement: STRADA is on the minus strand). VCF-style: chr17-63703700-G-A. GRCh37 (hg19) VCF-style: chr17-61781060-G-A.
Other names: c.1084C>T, p.Pro362Ser (NM_001003786.3); c.1021C>T, p.Pro341Ser (NM_001003788.3); c.*72C>T (NM_001165969.2, NM_001165970.2, NM_001363788.1 and 2 more transcripts); c.1171C>T, p.Pro391Ser (NM_001363786.1); c.1108C>T, p.Pro370Ser (NM_001363787.1); c.887C>T, p.Pro296Leu (NM_001363790.1); c.*583C>T (NM_153335.6); short protein forms P362S, P399S, P341S, P296L, P370S, P391S.
Identifiers: ClinVar variation 946592 (VCV000946592.9), dbSNP rs917413711, ClinGen allele CA292940703.